The following is an entry in ClinVar:

NM_015512.5(DNAH1):c.7142T>C (p.Ile2381Thr)

Gene: DNAH1 (dynein axonemal heavy chain 1; plus strand). Cytogenetic location: 3p21.1.
Variant type: single nucleotide variant.
Coding change: c.7142T>C on transcript NM_015512.5 (MANE Select); coding-DNA position 7142, T replaced by C.
Protein change: p.Ile2381Thr; replaces isoleucine 2381 with threonine.
Molecular consequence: missense variant.
Genome position (GRCh38, 1-based): chr3:52,375,396, T>C. VCF-style: chr3-52375396-T-C. GRCh37 (hg19) VCF-style: chr3-52409412-T-C.
Other names: short protein forms I2381T.
Identifiers: ClinVar variation 943846 (VCV000943846.4), dbSNP rs552394693, ClinGen allele CA2434761.

ClinVar aggregate classification (germline): Uncertain significance (1 of 4 stars; one submission).

Conditions:
Ciliary dyskinesia, primary, 37 (CILD37). Also called: CILIARY DYSKINESIA, PRIMARY, 37, WITH OR WITHOUT SITUS INVERSUS. Identifiers: MedGen C4539798, MONDO:0033204, OMIM 617577.
Spermatogenic failure 18. Identifiers: MedGen C4539783, MONDO:0054615, OMIM 617576.

Allele frequency attached by ClinVar (database versions not stated): gnomAD 0.00001 and 0.00002; TOPMed 0.00002; gnomAD exomes 0.00008 and 0.00011; ExAC 0.00012; 1000 Genomes Project 30x 0.00016; 1000 Genomes Project 0.00020.
gnomAD v4.1: 117 of 1,613,414 alleles (0.0073%); highest among the groups gnomAD compares: South Asian, 0.027%; no homozygotes.

Submission:

Labcorp Genetics (formerly Invitae), Labcorp
Classification: Uncertain significance for Ciliary dyskinesia, primary, 37; Spermatogenic failure 18. Last evaluated: 2021-08-26. Review status: criteria provided, single submitter. Criteria: Invitae Variant Classification Sherloc (09022015). Collection method: clinical testing. Allele origin: germline.
Comment: This sequence change replaces isoleucine with threonine at codon 2381 of the DNAH1 protein (p.Ile2381Thr). The isoleucine residue is moderately conserved and there is a moderate physicochemical difference between isoleucine and threonine. This variant is present in population databases (rs552394693, ExAC 0.04%). This variant has not been reported in the literature in individuals affected with DNAH1-related conditions. Algorithms developed to predict the effect of missense changes on protein structure and function are either unavailable or do not agree on the potential impact of this missense change (SIFT: "Deleterious"; PolyPhen-2: "Probably Damaging"; Align-GVGD: "Class C0"). In summary, the available evidence is currently insufficient to determine the role of this variant in disease. Therefore, it has been classified as a Variant of Uncertain Significance.